The following is an entry in ClinVar:

ClinVar aggregate classification (germline): Uncertain significance. Review status: criteria provided, multiple submitters, no conflicts (2 of 4 stars). 2 submissions from 2 submitters: Uncertain significance (2). Last evaluated 2023-06-08.

Conditions:
Charcot-Marie-Tooth disease, axonal, IIa 2II. Also called: CHARCOT-MARIE-TOOTH NEUROPATHY, TYPE 2II; Charcot-Marie-Tooth disease, axonal, type 2II; Charcot-marie-tooth disease, axonal,IIa 2II. Identifiers: MedGen C5774227, MONDO:0031068, OMIM 620068.

Allele frequency attached by ClinVar (database versions not stated): gnomAD exomes 0.00001; gnomAD 0.00002; TOPMed 0.00002; ExAC 0.00004.
gnomAD v4.1: 20 of 1,468,242 alleles (0.0014%); highest among the groups gnomAD compares: Non-Finnish European, 0.0019%; no homozygotes.

Submissions (2):

Baylor Genetics
Classification: Uncertain significance for Charcot-Marie-Tooth disease, axonal, IIa 2II. Last evaluated: 2023-06-08. Review status: criteria provided, single submitter. Criteria: ACMG Guidelines, 2015. Collection method: clinical testing. Allele origin: unknown.

Labcorp Genetics (formerly Invitae), Labcorp
Classification: Uncertain significance. Last evaluated: 2022-03-05. Review status: criteria provided, single submitter. Criteria: Invitae Variant Classification Sherloc (09022015). Collection method: clinical testing. Allele origin: germline.
Comment: This sequence change falls in intron 2 of the SLC12A6 gene. It does not directly change the encoded amino acid sequence of the SLC12A6 protein. It affects a nucleotide within the consensus splice site. This variant is present in population databases (rs770936792, gnomAD 0.004%). This variant has not been reported in the literature in individuals affected with SLC12A6-related conditions. Variants that disrupt the consensus splice site are a relatively common cause of aberrant splicing (PMID: 17576681, 9536098). Algorithms developed to predict the effect of sequence changes on RNA splicing suggest that this variant may disrupt the consensus splice site. In summary, the available evidence is currently insufficient to determine the role of this variant in disease. Therefore, it has been classified as a Variant of Uncertain Significance.

Literature cited by the submitters: PubMed 17576681 (cited by Labcorp Genetics (formerly Invitae), Labcorp); PubMed 9536098 (cited by Labcorp Genetics (formerly Invitae), Labcorp).

NM_001365088.1(SLC12A6):c.316+3A>G

Gene: SLC12A6 (solute carrier family 12 member 6; minus strand). Cytogenetic location: 15q14.
Variant type: single nucleotide variant.
Coding change: c.316+3A>G on transcript NM_001365088.1 (MANE Select); 3 bases into the intron after coding-DNA position 316, A replaced by G.
Molecular consequence: intron variant. On other transcripts: genic downstream transcript variant (1).
Genome position (GRCh38, 1-based): chr15:34,275,342, T>C on the plus strand (A>G on the coding strand, the complement: SLC12A6 is on the minus strand). VCF-style: chr15-34275342-T-C. GRCh37 (hg19) VCF-style: chr15-34567543-T-C.
Other names: c.139+3A>G (NM_001042495.2, NM_001042494.2); c.289+3A>G (NM_001042496.2); c.272-14322A>G (NM_001042497.2); c.316+3A>G (NM_133647.2); c.163+3A>G (NM_005135.2).
Identifiers: ClinVar variation 2045082 (VCV002045082.2), dbSNP rs770936792, ClinGen allele CA7464623.
Genomic context (GRCh38, chr15:34,275,342, plus strand): 5'-CTGTTAGGATAAATGAGTTAAGGGTGACTTTGGATAAAGTCAATCCCCACAGTAATACTA[T>C]ACCTAACAGTTGGCTGTGTTCCCCTGTGATGGAGTTCTGACTCAGGTCTGAAAAACAAAC-3'